The following is an entry in ClinVar:

NM_002860.4(ALDH18A1):c.220G>T (p.Val74Leu)

Gene: ALDH18A1 (aldehyde dehydrogenase 18 family member A1; minus strand). Cytogenetic location: 10q24.1.
Variant type: single nucleotide variant.
Coding change: c.220G>T on transcript NM_002860.4 (MANE Select); coding-DNA position 220, G replaced by T.
Protein change: p.Val74Leu; replaces valine 74 with leucine.
Molecular consequence: missense variant. On other transcripts: intron variant (4).
Genome position (GRCh38, 1-based): chr10:95,643,075, C>A on the plus strand (G>T on the coding strand, the complement: ALDH18A1 is on the minus strand). VCF-style: chr10-95643075-C-A. GRCh37 (hg19) VCF-style: chr10-97402832-C-A.
Other names: c.220G>T, p.Val74Leu (NM_001017423.2, NM_001323413.2, NM_001323414.2 and 2 more transcripts); c.-78-9426G>T (NM_001323419.2); c.-30-5639G>T (NM_001323412.2, NM_001323418.2, NM_001323416.2); short protein forms V74L.
Identifiers: ClinVar variation 2072681 (VCV002072681.4), dbSNP rs143330350, ClinGen allele CA211805299.
Genomic context (GRCh38, chr10:95,643,075, plus strand): 5'-GCCCCAGGGCCAGGCCACATTCATCCCCTCGGGTCACCACGGCACTGCCGAGCTTCACCA[C>A]GATTCTCTTGGCATGCTTCAGCTCACTGCGGTGGGCGAAGGACTTGCCATGTGTACGACT-3'
Protein context (NP_002851.2, residues 64-84): RSELKHAKRI[Val74Leu]VKLGSAVVTR

ClinVar aggregate classification (germline): Uncertain significance (1 of 4 stars; one submission).

Conditions:
de Barsy syndrome. Also called: Cutis laxa-corneal clouding-oligophrenia syndrome. Identifiers: Orphanet 2962, MedGen C0268354, MONDO:0017569.
Autosomal dominant spastic paraplegia type 9. Identifiers: MedGen C1832669, MONDO:0015091.
Cutis laxa, autosomal dominant 3 (ADCL3). Identifiers: Orphanet 90348, MedGen C4225268, MONDO:0014706, OMIM 616603.

Allele frequency attached by ClinVar (database versions not stated): gnomAD 0.00001.

Submission:

Labcorp Genetics (formerly Invitae), Labcorp
Classification: Uncertain significance for Autosomal dominant spastic paraplegia type 9; de Barsy syndrome; Cutis laxa, autosomal dominant 3. Last evaluated: 2022-08-28. Review status: criteria provided, single submitter. Criteria: Invitae Variant Classification Sherloc (09022015). Collection method: clinical testing. Allele origin: germline.
Comment: Algorithms developed to predict the effect of missense changes on protein structure and function are either unavailable or do not agree on the potential impact of this missense change (SIFT: "Deleterious"; PolyPhen-2: "Possibly Damaging"; Align-GVGD: "Class C0"). In summary, the available evidence is currently insufficient to determine the role of this variant in disease. Therefore, it has been classified as a Variant of Uncertain Significance. This sequence change replaces valine, which is neutral and non-polar, with leucine, which is neutral and non-polar, at codon 74 of the ALDH18A1 protein (p.Val74Leu). This variant is present in population databases (no rsID available, gnomAD 0.002%). This variant has not been reported in the literature in individuals affected with ALDH18A1-related conditions.